The following is an entry in ClinVar:

ClinVar aggregate classification (germline): Uncertain significance (1 of 4 stars; one submission).

gnomAD v4.1: 4 of 1,516,730 alleles (0.00026%); highest among the groups gnomAD compares: Non-Finnish European, 0.00035%; no homozygotes.

Submission:

Ambry Genetics
Classification: Uncertain significance. Last evaluated: 2024-12-12. Review status: criteria provided, single submitter. Criteria: Ambry Variant Classification Scheme 2023. Collection method: clinical testing. Allele origin: germline.
Comment: The p.L1457P variant (also known as c.4370T>C), located in coding exon 14 of the CDK12 gene, results from a T to C substitution at nucleotide position 4370. The leucine at codon 1457 is replaced by proline, an amino acid with similar properties. This amino acid position is conserved. In addition, this alteration is predicted to be tolerated by in silico analysis. Based on the available evidence, the clinical significance of this variant remains unclear.

NM_016507.4(CDK12):c.4370T>C (p.Leu1457Pro)

Gene: CDK12 (cyclin dependent kinase 12; plus strand). Cytogenetic location: 17q12.
Variant type: single nucleotide variant.
Coding change: c.4370T>C on transcript NM_016507.4 (MANE Select); coding-DNA position 4370, T replaced by C.
Protein change: p.Leu1457Pro; replaces leucine 1457 with proline.
Molecular consequence: missense variant.
Genome position (GRCh38, 1-based): chr17:39,531,213, T>C. VCF-style: chr17-39531213-T-C. GRCh37 (hg19) VCF-style: chr17-37687466-T-C.
Other names: c.4343T>C, p.Leu1448Pro (NM_015083.4); short protein forms L1457P, L1448P.
Identifiers: ClinVar variation 3830321 (VCV003830321.1).